The following is an entry in ClinVar:

NM_002478.5(MYOD1):c.78G>A (p.Thr26=)

Gene: MYOD1 (myogenic differentiation 1; plus strand). Cytogenetic location: 11p15.1.
Variant type: single nucleotide variant.
Coding change: c.78G>A on transcript NM_002478.5 (MANE Select); coding-DNA position 78, G replaced by A.
Protein change: p.Thr26=; no amino-acid change (threonine 26 retained).
Molecular consequence: synonymous variant.
Genome position (GRCh38, 1-based): chr11:17,719,860, G>A. VCF-style: chr11-17719860-G-A. GRCh37 (hg19) VCF-style: chr11-17741407-G-A.
Identifiers: ClinVar variation 3049014 (VCV003049014.2), dbSNP rs375842019, ClinGen allele CA5906371.

ClinVar aggregate classification (germline): Likely benign (0 of 4 stars; one submission).

Conditions:
MYOD1-related disorder. Also called: MYOD1-related condition.

Allele frequency attached by ClinVar (database versions not stated): gnomAD 0.00010; ExAC 0.00024.

Submission:

PreventionGenetics, part of Exact Sciences
Classification: Likely benign for MYOD1-related condition. Last evaluated: 2021-01-27. Review status: no assertion criteria provided. Collection method: clinical testing. Allele origin: germline.
Comment: This variant is classified as likely benign based on ACMG/AMP sequence variant interpretation guidelines (Richards et al. 2015 PMID: 25741868, with internal and published modifications).